The following is an entry in ClinVar:

ClinVar aggregate classification (germline): Uncertain significance. Review status: criteria provided, multiple submitters, no conflicts (2 of 4 stars). 2 submissions from 2 submitters: Uncertain significance (2). Last evaluated 2024-12-31.

Conditions:
Inborn genetic diseases. Identifiers: MedGen C0950123, MeSH D030342.

gnomAD v4.1: 41 of 1,613,630 alleles (0.0025%); highest among the groups gnomAD compares: Admixed American, 0.048%; no homozygotes.

Submissions (2):

Ambry Genetics
Classification: Uncertain significance for Inborn genetic diseases. Last evaluated: 2024-12-31. Review status: criteria provided, single submitter. Criteria: Ambry Variant Classification Scheme 2023. Collection method: clinical testing. Allele origin: germline.

Labcorp Genetics (formerly Invitae), Labcorp
Classification: Uncertain significance. Last evaluated: 2024-07-23. Review status: criteria provided, single submitter. Criteria: Invitae Variant Classification Sherloc (09022015). Collection method: clinical testing. Allele origin: germline.
Comment: This sequence change replaces alanine, which is neutral and non-polar, with glutamic acid, which is acidic and polar, at codon 430 of the SLC38A8 protein (p.Ala430Glu). This variant is present in population databases (rs202082621, gnomAD 0.08%). This variant has not been reported in the literature in individuals affected with SLC38A8-related conditions. An algorithm developed to predict the effect of missense changes on protein structure and function (PolyPhen-2) suggests that this variant is likely to be disruptive. Algorithms developed to predict the effect of sequence changes on RNA splicing suggest that this variant may create or strengthen a splice site. In summary, the available evidence is currently insufficient to determine the role of this variant in disease. Therefore, it has been classified as a Variant of Uncertain Significance.

NM_001080442.3(SLC38A8):c.1289C>A (p.Ala430Glu)

Gene: SLC38A8 (solute carrier family 38 member 8; minus strand). Cytogenetic location: 16q23.3.
Variant type: single nucleotide variant.
Coding change: c.1289C>A on transcript NM_001080442.3 (MANE Select); coding-DNA position 1289, C replaced by A.
Protein change: p.Ala430Glu; replaces alanine 430 with glutamic acid.
Molecular consequence: missense variant.
Genome position (GRCh38, 1-based): chr16:84,009,803, G>T on the plus strand (C>A on the coding strand, the complement: SLC38A8 is on the minus strand). VCF-style: chr16-84009803-G-T. GRCh37 (hg19) VCF-style: chr16-84043408-G-T.
Other names: c.1289C>A (NM_001080442.1); short protein forms A430E.
Identifiers: ClinVar variation 3630548 (VCV003630548.3).